The following is an entry in ClinVar:

ClinVar aggregate classification (germline): Pathogenic. Review status: no assertion criteria provided (0 of 4 stars). 2 submissions from 2 submitters: Pathogenic (2). Last evaluated 2016-11-21.

Conditions:
Amelogenesis imperfecta, hypomaturation type, IIa6. Identifiers: MedGen C4310665, MONDO:0014971, OMIM 617217.
Amelogenesis imperfecta (AI). Also called: Congenital enamel hypoplasia. Identifiers: Orphanet 88661, MedGen C0002452, MONDO:0019507, HP:0000705.

Allele frequency attached by ClinVar (database versions not stated): gnomAD exomes below 0.00001.

Submissions (2):

OMIM
Classification: Pathogenic for AMELOGENESIS IMPERFECTA, HYPOMATURATION TYPE, IIA6. Last evaluated: 2016-11-21. Review status: no assertion criteria provided. Collection method: literature only. Allele origin: germline.

Leeds Amelogenesis Imperfecta Research Group, University of Leeds
Classification: Pathogenic for Amelogenesis imperfecta - hypomineralised. Last evaluated: 2016-08-01. Review status: no assertion criteria provided. Collection method: research. Allele origin: germline. Affected: yes.
Comment: Predicted to alter a residue in the second transmembrane domain

Literature cited by the submitters: PubMed 27693231 (cited by OMIM and Leeds Amelogenesis Imperfecta Research Group, University of Leeds).

NM_001177676.2(GPR68):c.221T>C (p.Leu74Pro)

Gene: GPR68 (G protein-coupled receptor 68; minus strand). Cytogenetic location: 14q32.11.
Variant type: single nucleotide variant.
Coding change: c.221T>C on transcript NM_001177676.2 (MANE Select); coding-DNA position 221, T replaced by C.
Protein change: p.Leu74Pro; replaces leucine 74 with proline.
Molecular consequence: missense variant.
Genome position (GRCh38, 1-based): chr14:91,234,830, A>G on the plus strand (T>C on the coding strand, the complement: GPR68 is on the minus strand). VCF-style: chr14-91234830-A-G. GRCh37 (hg19) VCF-style: chr14-91701174-A-G.
Other names: c.221T>C, p.Leu74Pro (NM_001348437.1, NM_003485.3); short protein forms L74P.
Identifiers: ClinVar variation 268086 (VCV000268086.2), dbSNP rs1057517672, ClinGen allele CA16040620.